The following is an entry in ClinVar:

NM_020779.4(WDR35):c.337C>T (p.Arg113Ter)

Gene: WDR35 (WD repeat domain 35; minus strand). Cytogenetic location: 2p24.1.
Variant type: single nucleotide variant.
Coding change: c.337C>T on transcript NM_020779.4 (MANE Select); coding-DNA position 337, C replaced by T.
Protein change: p.Arg113Ter; replaces arginine 113 with a stop codon.
Molecular consequence: nonsense.
Genome position (GRCh38, 1-based): chr2:19,978,850, G>A on the plus strand (C>T on the coding strand, the complement: WDR35 is on the minus strand). VCF-style: chr2-19978850-G-A. GRCh37 (hg19) VCF-style: chr2-20178611-G-A.
Other names: c.337C>T, p.Arg113Ter (NM_001006657.2); short protein forms R113*.
Identifiers: ClinVar variation 620378 (VCV000620378.2), dbSNP rs758456073, ClinGen allele CA1543556.

ClinVar aggregate classification (germline): Pathogenic (1 of 4 stars; one submission).

Allele frequency attached by ClinVar (database versions not stated): TOPMed 0.00001.

Submission:

GeneDx
Classification: Pathogenic. Last evaluated: 2025-11-10. Review status: criteria provided, single submitter. Criteria: GeneDx Variant Classification Process June 2021. Collection method: clinical testing. Allele origin: germline. Affected: yes.
Comment: Nonsense variant predicted to result in protein truncation or nonsense mediated decay in a gene for which loss of function is a known mechanism of disease; Not observed at significant frequency in large population cohorts (gnomAD); This variant is associated with the following publications: (PMID: 32804427, 29134781)